The following is an entry in ClinVar:

ClinVar aggregate classification (germline): Uncertain significance. Review status: criteria provided, multiple submitters, no conflicts (2 of 4 stars). 2 submissions from 2 submitters: Uncertain significance (2). Last evaluated 2026-06-16.

Conditions:
PKD1L1-related disorder. Also called: PKD1L1-related condition.

Allele frequency attached by ClinVar (database versions not stated): gnomAD exomes 0.00001 and 0.00004; ExAC 0.00003; gnomAD 0.00011 and 0.00012; 1000 Genomes Project 30x 0.00016; TOPMed 0.00019; 1000 Genomes Project 0.00020.
gnomAD v4.1: 40 of 1,613,776 alleles (0.0025%); highest among the groups gnomAD compares: African/African-American, 0.044%; no homozygotes.

Submissions (2):

PreventionGenetics, part of Exact Sciences
Classification: Uncertain significance for PKD1L1-related condition. Last evaluated: 2026-06-16. Review status: criteria provided, single submitter. Criteria: ACMG Guidelines, 2015. Collection method: clinical testing. Allele origin: germline.
Comment: The PKD1L1 c.1389A>G variant is not predicted to result in an amino acid change (p.=). This variant is predicted to alter splicing based on available splicing prediction programs (SpliceAI, Jaganathan et al. 2019. PubMed ID: 30661751). However, the use of computer prediction programs is not equivalent to functional evidence. To our knowledge, this variant has not been reported in the literature. This variant is reported in 0.040% of alleles in individuals of African descent in gnomAD. At this time, the clinical significance of this variant is uncertain due to the absence of conclusive functional and genetic evidence.

Labcorp Genetics (formerly Invitae), Labcorp
Classification: Uncertain significance. Last evaluated: 2023-08-30. Review status: criteria provided, single submitter. Criteria: Invitae Variant Classification Sherloc (09022015). Collection method: clinical testing. Allele origin: germline.
Comment: Algorithms developed to predict the effect of sequence changes on RNA splicing suggest that this variant may disrupt the consensus splice site. This sequence change affects codon 463 of the PKD1L1 mRNA. It is a 'silent' change, meaning that it does not change the encoded amino acid sequence of the PKD1L1 protein. This variant is present in population databases (rs187411373, gnomAD 0.05%). This variant has not been reported in the literature in individuals affected with PKD1L1-related conditions. ClinVar contains an entry for this variant (Variation ID: 1054520). In summary, the available evidence is currently insufficient to determine the role of this variant in disease. Therefore, it has been classified as a Variant of Uncertain Significance.

NM_138295.5(PKD1L1):c.1389A>G (p.Gln463=)

Gene: PKD1L1 (polycystin 1 like 1, transient receptor potential channel interacting; minus strand). Cytogenetic location: 7p12.3.
Variant type: single nucleotide variant.
Coding change: c.1389A>G on transcript NM_138295.5 (MANE Select); coding-DNA position 1389, A replaced by G.
Protein change: p.Gln463=; no amino-acid change (glutamine 463 retained).
Molecular consequence: synonymous variant.
Genome position (GRCh38, 1-based): chr7:47,908,090, T>C on the plus strand (A>G on the coding strand, the complement: PKD1L1 is on the minus strand). VCF-style: chr7-47908090-T-C. GRCh37 (hg19) VCF-style: chr7-47947687-T-C.
Other names: c.1389A>G (NM_138295.3).
Identifiers: ClinVar variation 1054520 (VCV001054520.10), dbSNP rs187411373, ClinGen allele CA4254069.